The following is an entry in ClinVar:

ClinVar aggregate classification (germline): Uncertain significance. Review status: criteria provided, multiple submitters, no conflicts (2 of 4 stars). 2 submissions from 2 submitters: Uncertain significance (2). Last evaluated 2025-11-17.

Conditions:
Acute myeloid leukemia (AML). Also called: Leukemia, acute myeloid, somatic; Leukemia, acute myelogenous, somatic; Acute myeloid leukemia, adult; AML adult; Acute non-lymphocytic leukemia; Acute granulocytic leukemia. Identifiers: Orphanet 519, MedGen C0023467, MeSH D015470, MONDO:0018874, OMIM 601626, HP:0004808. Disease mechanism: Constitutively activated FLT3.
Inborn genetic diseases. Identifiers: MedGen C0950123, MeSH D030342.

Submissions (2):

Ambry Genetics
Classification: Uncertain significance for Inborn genetic diseases. Last evaluated: 2025-11-17. Review status: criteria provided, single submitter. Criteria: Ambry Variant Classification Scheme 2023. Collection method: clinical testing. Allele origin: germline.
Comment: The p.A271G variant (also known as c.812C>G), located in coding exon 1 of the CEBPA gene, results from a C to G substitution at nucleotide position 812. The alanine at codon 271 is replaced by glycine, an amino acid with similar properties. This amino acid position is conserved. In addition, this alteration is predicted to be tolerated by in silico analysis. Based on the available evidence, the clinical significance of this variant remains unclear.

Labcorp Genetics (formerly Invitae), Labcorp
Classification: Uncertain significance for Acute myeloid leukemia. Last evaluated: 2021-01-16. Review status: criteria provided, single submitter. Criteria: Invitae Variant Classification Sherloc (09022015). Collection method: clinical testing. Allele origin: germline.
Comment: This variant is not present in population databases (ExAC no frequency). This variant has not been reported in the literature in individuals with CEBPA-related conditions. Algorithms developed to predict the effect of missense changes on protein structure and function (SIFT, PolyPhen-2, Align-GVGD) all suggest that this variant is likely to be tolerated, but these predictions have not been confirmed by published functional studies and their clinical significance is uncertain. In summary, the available evidence is currently insufficient to determine the role of this variant in disease. Therefore, it has been classified as a Variant of Uncertain Significance. This sequence change replaces alanine with glycine at codon 271 of the CEBPA protein (p.Ala271Gly). The alanine residue is weakly conserved and there is a small physicochemical difference between alanine and glycine.

NM_004364.5(CEBPA):c.812C>G (p.Ala271Gly)

Gene: CEBPA (CCAAT enhancer binding protein alpha; minus strand). Cytogenetic location: 19q13.11.
Variant type: single nucleotide variant.
Coding change: c.812C>G on transcript NM_004364.5 (MANE Select); coding-DNA position 812, C replaced by G.
Protein change: p.Ala271Gly; replaces alanine 271 with glycine.
Molecular consequence: missense variant.
Genome position (GRCh38, 1-based): chr19:33,301,603, G>C on the plus strand (C>G on the coding strand, the complement: CEBPA is on the minus strand). VCF-style: chr19-33301603-G-C. GRCh37 (hg19) VCF-style: chr19-33792509-G-C.
Other names: c.455C>G, p.Ala152Gly (NM_001285829.2); c.917C>G, p.Ala306Gly (NM_001287424.2); c.770C>G, p.Ala257Gly (NM_001287435.2); c.812C>G (NM_004364.3); short protein forms A152G, A271G, A257G, A306G.
Identifiers: ClinVar variation 1365168 (VCV001365168.9), dbSNP rs1403352822, ClinGen allele CA405274163.